The following is an entry in ClinVar:

NM_016006.6(ABHD5):c.726C>T (p.Asp242=)

Gene: ABHD5 (abhydrolase domain containing 5, lysophosphatidic acid acyltransferase; plus strand). Cytogenetic location: 3p21.33.
Variant type: single nucleotide variant.
Coding change: c.726C>T on transcript NM_016006.6 (MANE Select); coding-DNA position 726, C replaced by T.
Protein change: p.Asp242=; no amino-acid change (aspartic acid 242 retained).
Molecular consequence: synonymous variant.
Genome position (GRCh38, 1-based): chr3:43,715,011, C>T. VCF-style: chr3-43715011-C-T. GRCh37 (hg19) VCF-style: chr3-43756503-C-T.
Other names: p.Asp242=; c.726C>T, p.Asp242= (NM_001355186.2, NM_001365650.1); c.603C>T, p.Asp201= (NM_001365649.1).
Identifiers: ClinVar variation 2042266 (VCV002042266.5), dbSNP rs372085621, ClinGen allele CA2341422.

ClinVar aggregate classification (germline): Benign/Likely benign. Review status: criteria provided, multiple submitters, no conflicts (2 of 4 stars). 2 submissions from 2 submitters: Benign (1); Likely benign (1). Last evaluated 2025-05-17.

Allele frequency attached by ClinVar (database versions not stated): TOPMed 0.00006; ESP Exome Variant Server 0.00008; gnomAD 0.00018; gnomAD exomes 0.00021; ExAC 0.00044.
gnomAD v4.1: 336 of 1,612,000 alleles (0.021%); highest among the groups gnomAD compares: Non-Finnish European, 0.016%; no homozygotes.

Submissions (2):

Labcorp Genetics (formerly Invitae), Labcorp
Classification: Benign. Last evaluated: 2025-05-17. Review status: criteria provided, single submitter. Criteria: Invitae Variant Classification Sherloc (09022015). Collection method: clinical testing. Allele origin: germline.

Mayo Clinic Laboratories, Mayo Clinic
Classification: Likely benign. Last evaluated: 2024-12-20. Review status: criteria provided, single submitter. Criteria: ACMG Guidelines, 2015. Collection method: clinical testing. Allele origin: germline. Observed: 1 variant allele.
Comment: BP4, BP7, PM2_supporting